The following is an entry in ClinVar:

ClinVar aggregate classification (germline): Uncertain significance (1 of 4 stars; one submission).

gnomAD v4.1: 1 of 1,536,544 alleles (0.000065%); highest among the groups gnomAD compares: Non-Finnish European, 0.00009%; no homozygotes.

Submission:

GeneDx
Classification: Uncertain significance. Last evaluated: 2023-08-03. Review status: criteria provided, single submitter. Criteria: GeneDx Variant Classification Process June 2021. Collection method: clinical testing. Allele origin: germline. Affected: yes.
Comment: Not observed at significant frequency in large population cohorts (gnomAD); In silico analysis supports that this missense variant has a deleterious effect on protein structure/function; Has not been previously published as pathogenic or benign to our knowledge

NM_000051.4(ATM):c.3702T>A (p.Phe1234Leu)

Gene: ATM (ATM serine/threonine kinase; plus strand). Cytogenetic location: 11q22.3.
Variant type: single nucleotide variant.
Coding change: c.3702T>A on transcript NM_000051.4 (MANE Select); coding-DNA position 3702, T replaced by A.
Protein change: p.Phe1234Leu; replaces phenylalanine 1234 with leucine.
Molecular consequence: missense variant.
Genome position (GRCh38, 1-based): chr11:108,282,835, T>A. VCF-style: chr11-108282835-T-A. GRCh37 (hg19) VCF-style: chr11-108153562-T-A.
Other names: c.3702T>A, p.Phe1234Leu (NM_001351834.2); short protein forms F1234L.
Identifiers: ClinVar variation 3253522 (VCV003253522.1), dbSNP rs876659605.